The following is an entry in ClinVar:

NM_000228.3(LAMB3):c.3040del (p.Arg1014fs)

Gene: LAMB3 (laminin subunit beta 3; minus strand). Cytogenetic location: 1q32.2.
Variant type: Deletion.
Coding change: c.3040del on transcript NM_000228.3 (MANE Select); coding-DNA position 3040, one base deleted (A; older notation c.3040delA).
Protein change: p.Arg1014fs; shifts the reading frame from arginine 1014.
Molecular consequence: frameshift variant.
Genome position (GRCh38, 1-based): chr1:209,617,918, T deleted on the plus strand (A on the coding strand, the reverse complement: LAMB3 is on the minus strand). VCF-style (leftmost placement, unchanged base first): chr1-209617917-CT-C. GRCh37 (hg19) VCF-style: chr1-209791262-CT-C.
Other names: c.3040del, p.Arg1014fs (NM_001017402.2, NM_001127641.1); short protein forms R1014fs.
Identifiers: ClinVar variation 5014849 (VCV005014849.1).

ClinVar aggregate classification (germline): Pathogenic (1 of 4 stars; one submission).

Conditions:
Junctional epidermolysis bullosa. Identifiers: Orphanet 305, MedGen C0079301, MONDO:0017612.

Submission:

Myriad Genetics, Inc.
Classification: Pathogenic for Junctional epidermolysis bullosa. Last evaluated: 2025-08-10. Review status: criteria provided, single submitter. Criteria: Myriad Autosomal Dominant, Autosomal Recessive and X-Linked Classification Criteria (2023). Collection method: clinical testing. Allele origin: unknown.
Comment: NM_000228.2(LAMB3):c.3040delA(R1014Gfs*16) is expected to be pathogenic in the context of junctional epidermolysis bullosa, LAMB3-related. This variant is predicted to lead to an abnormal or absent protein product due to the creation of a premature termination codon in LAMB3, a gene where loss-of-function variants are known to be pathogenic. Please note: this variant was assessed in the context of healthy population screening.